The following is an entry in ClinVar:

NM_024334.3(TMEM43):c.743T>G (p.Leu248Arg)

Gene: TMEM43 (transmembrane protein 43; plus strand). Cytogenetic location: 3p25.1.
Variant type: single nucleotide variant.
Coding change: c.743T>G on transcript NM_024334.3 (MANE Select); coding-DNA position 743, T replaced by G.
Protein change: p.Leu248Arg; replaces leucine 248 with arginine.
Molecular consequence: missense variant.
Genome position (GRCh38, 1-based): chr3:14,135,195, T>G. VCF-style: chr3-14135195-T-G. GRCh37 (hg19) VCF-style: chr3-14176695-T-G.
Other names: short protein forms L248R.
Identifiers: ClinVar variation 1065154 (VCV001065154.1), dbSNP rs774356401, ClinGen allele CA351535768.

ClinVar aggregate classification (germline): Uncertain significance (1 of 4 stars; one submission).

Submission:

Women's Health and Genetics/Laboratory Corporation of America, LabCorp
Classification: Uncertain significance. Last evaluated: 2021-04-05. Review status: criteria provided, single submitter. Criteria: LabCorp Variant Classification Summary - May 2015. Collection method: clinical testing. Allele origin: germline.
Comment: Variant summary: TMEM43 c.743T>G (p.Leu248Arg) results in a non-conservative amino acid change in the encoded protein sequence. Four of five in-silico tools predict a damaging effect of the variant on protein function. The variant allele was found at a frequency of 4e-06 in 249998 control chromosomes (gnomAD). The available data on variant occurrences in the general population are insufficient to allow any conclusion about variant significance. To our knowledge, no occurrence of c.743T>G in individuals affected with Arrhythmogenic Right Ventricular Dysplasia/Cardiomyopathy and no experimental evidence demonstrating its impact on protein function have been reported. No clinical diagnostic laboratories have submitted clinical-significance assessments for this variant to ClinVar after 2014. Based on the evidence outlined above, the variant was classified as uncertain significance.